The following is an entry in ClinVar:

ClinVar aggregate classification (germline): Pathogenic (1 of 4 stars; one submission).

Conditions:
Inborn genetic diseases. Identifiers: MedGen C0950123, MeSH D030342.

Submission:

Ambry Genetics
Classification: Pathogenic for Inborn genetic diseases. Last evaluated: 2026-03-18. Review status: criteria provided, single submitter. Criteria: Ambry Variant Classification Scheme 2023. Collection method: clinical testing. Allele origin: germline.
Comment: The p.Q502* pathogenic mutation (also known as c.1504C>T), located in coding exon 14 of the DDX41 gene, results from a C to T substitution at nucleotide position 1504. This changes the amino acid from a glutamine to a stop codon within coding exon 14. This variant is considered to be rare based on population cohorts in the Genome Aggregation Database (gnomAD). This alteration is expected to result in loss of function by premature protein truncation or nonsense-mediated mRNA decay. As such, this alteration is interpreted as a disease-causing mutation.

NM_016222.4(DDX41):c.1504C>T (p.Gln502Ter)

Gene: DDX41 (DEAD-box helicase 41; minus strand). Cytogenetic location: 5q35.3.
Variant type: single nucleotide variant.
Coding change: c.1504C>T on transcript NM_016222.4 (MANE Select); coding-DNA position 1504, C replaced by T.
Protein change: p.Gln502Ter; replaces glutamine 502 with a stop codon.
Molecular consequence: nonsense.
Genome position (GRCh38, 1-based): chr5:177,512,541, G>A on the plus strand (C>T on the coding strand, the complement: DDX41 is on the minus strand). VCF-style: chr5-177512541-G-A. GRCh37 (hg19) VCF-style: chr5-176939542-G-A.
Other names: c.1126C>T, p.Gln376Ter (NM_001321732.2, NM_001321830.2); short protein forms Q376*, Q502*.
Identifiers: ClinVar variation 4869614 (VCV004869614.1).
Genomic context (GRCh38, chr5:177,512,541, plus strand): 5'-GCCCCAGGCTCTTACCATAGTTCTCAATCTCCTCTGGCATGTCATAATTGATGACGTGCT[G>A]GATGGCAGGGAAGTCCAGGCCCTTGGAGGCAACGTCTGTGGCTACTAGGACATCCTTCTT-3'